The following is an entry in ClinVar:

NC_012920.1(MT-CO1):m.7149A>G

Gene: MT-CO1 (mitochondrially encoded cytochrome c oxidase I; plus strand).
Variant type: single nucleotide variant.
Genome position: chrM-7149-A-G.
Identifiers: ClinVar variation 692707 (VCV000692707.1), dbSNP rs1603220802, ClinGen allele CA414791554.

ClinVar aggregate classification (germline): Likely benign (1 of 4 stars; one submission).

Conditions:
Leigh syndrome (NULS). Also called: Leigh's necrotizing encephalopathy; Leigh's disease; Leigh Syndrome (mtDNA deletion); Leigh Disease; Subacute necrotizing encephalopathy; Necrotizing encephalopathy infantile subacute of Leigh. Identifiers: Orphanet 506, MedGen C2931891, MONDO:0009723, OMIM 256000.

Submission:

Wong Mito Lab, Molecular and Human Genetics, Baylor College of Medicine
Classification: Likely benign for Leigh syndrome. Last evaluated: 2019-10-17. Review status: criteria provided, single submitter. Criteria: Modified ACMG Guidelines (Unpublished). Collection method: clinical testing. Allele origin: germline.
Comment: The NC_012920.1:m.7149A>G (YP_003024028.1:p.Ile416Val) variant in MTCO1 gene is interpretated to be a Likely Benign variant based on the modified ACMG guidelines (unpublished). This variant meets the following evidence codes: BS1, BP4, BP5